The following is an entry in ClinVar:

ClinVar aggregate classification (germline): Conflicting classifications of pathogenicity. Review status: criteria provided, conflicting classifications (1 of 4 stars). 4 submissions from 4 submitters: Likely pathogenic (2); Uncertain significance (1). 1 of the submissions does not count toward it. Last evaluated 2025-10-22.

Conditions:
Radioulnar synostosis. Also called: Congenital radioulnar synostosis. Identifiers: Orphanet 3269, MedGen C0158761, MONDO:0017985, HP:0002974.
Radioulnar synostosis, nonsyndromic, susceptibility to. Identifiers: MedGen C5241445, MONDO:0100183, OMIM 179300.
Aortic valve disease 2 (AOVD2). Identifiers: MedGen C3542024, MONDO:0013902, OMIM 614823.

Submissions (4):

Variantyx, Inc.
Classification: Likely pathogenic for Radioulnar synostosis, nonsyndromic, susceptibility to. Last evaluated: 2025-10-22. Review status: criteria provided, single submitter. Criteria: Variantyx Assertion Criteria 2022. Collection method: clinical testing. Allele origin: germline. Inheritance: Autosomal dominant inheritance. Affected: no.
Comment: This is a frameshift variant in the SMAD6 gene (OMIM: 602931). Pathogenic variants in this gene have been associated with autosomal dominant syndromic craniosynostosis. This variant introduces a premature termination codon in exon 1 out of 4 and is expected to result in loss of function, which is a known disease mechanism for SMAD6 in this disorder (PMID: 34953066) (PVS1). This variant has a 0.0005% maximum allele frequency in non-founder control populations (PM2). Based on the current evidence, this variant is classified as likely pathogenic for autosomal dominant syndromic craniosynostosis.

Mayo Clinic Laboratories, Mayo Clinic
Classification: Likely pathogenic. Last evaluated: 2023-01-27. Review status: criteria provided, single submitter. Criteria: ACMG Guidelines, 2015. Collection method: clinical testing. Allele origin: germline. Observed: 1 variant allele.
Comment: PS4_supporting, PVS1

Labcorp Genetics (formerly Invitae), Labcorp
Classification: Uncertain significance for Aortic valve disease 2. Last evaluated: 2022-08-16. Review status: criteria provided, single submitter. Criteria: Invitae Variant Classification Sherloc (09022015). Collection method: clinical testing. Allele origin: germline.
Comment: This sequence change creates a premature translational stop signal (p.Gly88Alafs*37) in the SMAD6 gene. It is expected to result in an absent or disrupted protein product. However, the current clinical and genetic evidence is not sufficient to establish whether loss-of-function variants in SMAD6 cause disease. The frequency data for this variant in the population databases is considered unreliable, as metrics indicate poor data quality at this position in the gnomAD database. This variant has not been reported in the literature in individuals affected with SMAD6-related conditions. ClinVar contains an entry for this variant (Variation ID: 1174566). In summary, the available evidence is currently insufficient to determine the role of this variant in disease. Therefore, it has been classified as a Variant of Uncertain Significance.

The Laboratory of Genetics and Metabolism, Hunan Children’s Hospital
Classification: Pathogenic for Radioulnar synostosis. Last evaluated: 2020-06-20. Review status: no assertion criteria provided. Collection method: research. Allele origin: maternal. Affected: yes. Not counted in ClinVar's aggregate classification.

Literature cited by the submitters: PubMed 34953066 (cited by Variantyx, Inc.); PubMed 21681813 (cited by Variantyx, Inc.); PubMed 28991257 (cited by Mayo Clinic Laboratories, Mayo Clinic); PubMed 30796334 (cited by Mayo Clinic Laboratories, Mayo Clinic); PubMed 31138930 (cited by Mayo Clinic Laboratories, Mayo Clinic).

NM_005585.5(SMAD6):c.263del (p.Gly88fs)

Gene: SMAD6 (SMAD family member 6; plus strand). Cytogenetic location: 15q22.31.
Variant type: Deletion.
Coding change: c.263del on transcript NM_005585.5 (MANE Select); coding-DNA position 263, one base deleted (G; older notation c.263delG).
Protein change: p.Gly88fs; shifts the reading frame from glycine 88.
Molecular consequence: frameshift variant. On other transcripts: non-coding transcript variant (1).
Genome position (GRCh38, 1-based): chr15:66,703,521, G deleted; the last of 5 consecutive G bases (chr15:66,703,517-66,703,521); deleting any one gives the same sequence. VCF-style (leftmost placement, unchanged base first): chr15-66703516-AG-A. GRCh37 (hg19) VCF-style: chr15-66995854-AG-A.
Other names: p.Gly88Alafs*37; c.259delG (NM_005585.5); short protein forms G88fs.
Identifiers: ClinVar variation 1174566 (VCV001174566.9), dbSNP rs1199495614, ClinGen allele CA618958980.